The following is an entry in ClinVar:

NM_001042492.3(NF1):c.2031C>A (p.Pro677=)

Gene: NF1 (neurofibromin 1; plus strand). Cytogenetic location: 17q11.2.
Variant type: single nucleotide variant.
Coding change: c.2031C>A on transcript NM_001042492.3 (MANE Select); coding-DNA position 2031, C replaced by A.
Protein change: p.Pro677=; no amino-acid change (proline 677 retained).
Molecular consequence: synonymous variant.
Genome position (GRCh38, 1-based): chr17:31,226,464, C>A. VCF-style: chr17-31226464-C-A. GRCh37 (hg19) VCF-style: chr17-29553482-C-A.
Other names: c.2031C>A, p.Pro677= (NM_000267.4).
Identifiers: ClinVar variation 4084179 (VCV004084179.8).

ClinVar aggregate classification (germline): Likely benign (1 of 4 stars; one submission).

Submission:

CeGaT Center for Human Genetics Tuebingen
Classification: Likely benign. Last evaluated: 2025-08-01. Review status: criteria provided, single submitter. Criteria: CeGaT Center For Human Genetics Tuebingen Variant Classification Criteria Version 2. Collection method: clinical testing. Allele origin: germline. Affected: yes. Observed: 1 variant allele.
Comment: NF1: PM2:Supporting, BP4, BP7